The following is an entry in ClinVar:

NM_005881.4(BCKDK):c.1104C>T (p.Phe368=)

Gene: BCKDK (branched chain keto acid dehydrogenase kinase; plus strand). Cytogenetic location: 16p11.2.
Variant type: single nucleotide variant.
Coding change: c.1104C>T on transcript NM_005881.4 (MANE Select); coding-DNA position 1104, C replaced by T.
Protein change: p.Phe368=; no amino-acid change (phenylalanine 368 retained).
Molecular consequence: synonymous variant. On other transcripts: 3 prime UTR variant (2).
Genome position (GRCh38, 1-based): chr16:31,112,130, C>T. VCF-style: chr16-31112130-C-T. GRCh37 (hg19) VCF-style: chr16-31123451-C-T.
Other names: c.*99C>T (NM_001122957.4, NM_001271926.3).
Identifiers: ClinVar variation 194068 (VCV000194068.18), dbSNP rs201614853, ClinGen allele CA239864.
Genomic context (GRCh38, chr16:31,112,130, plus strand): 5'-GGAGACTCAAGCCTCTGAAGCCTCCTGTCCTGTCCCCCTGCCCACCCCCAGCTTTGGCTT[C>T]GGGTTGCCCACGTCACGGGCCTACGCGGAGTACCTCGGTGGGTCTCTGCAGCTGCAGTCC-3'
Protein context (NP_005872.2, residues 358-378): AQSGPMHGFG[Phe368=]GLPTSRAYAE

ClinVar aggregate classification (germline): Conflicting classifications of pathogenicity. Review status: criteria provided, conflicting classifications (1 of 4 stars). 5 submissions from 5 submitters: Uncertain significance (1); Likely benign (4). Last evaluated 2026-09-01.

Conditions:
Branched-chain keto acid dehydrogenase kinase deficiency (BCKDKD). Also called: BCKDK DEFICIENCY. Identifiers: Orphanet 308410, MedGen C3554078, MONDO:0013970, OMIM 614923.

Allele frequency attached by ClinVar (database versions not stated): gnomAD 0.00009 and 0.00010; ExAC 0.00011; gnomAD exomes 0.00012 and 0.00015; TOPMed 0.00013; 1000 Genomes Project 30x 0.00031; 1000 Genomes Project 0.00040.
gnomAD v4.1: 225 of 1,609,752 alleles (0.014%); highest among the groups gnomAD compares: East Asian, 0.022%; no homozygotes.

Submissions (5):

CeGaT Center for Human Genetics Tuebingen
Classification: Likely benign. Last evaluated: 2026-09-01. Review status: criteria provided, single submitter. Criteria: CeGaT Center For Human Genetics Tuebingen Variant Classification Criteria Version 2. Collection method: clinical testing. Allele origin: germline. Affected: yes. Observed: 2 variant alleles.
Comment: BCKDK: BP4, BP7

Blueprint Genetics
Classification: Likely benign. Last evaluated: 2024-11-25. Review status: criteria provided, single submitter. Criteria: ACMG Guidelines, 2015. Collection method: clinical testing. Allele origin: germline.

Labcorp Genetics (formerly Invitae), Labcorp
Classification: Likely benign for Branched-chain keto acid dehydrogenase kinase deficiency. Last evaluated: 2024-09-14. Review status: criteria provided, single submitter. Criteria: Invitae Variant Classification Sherloc (09022015). Collection method: clinical testing. Allele origin: germline.

Athena Diagnostics
Classification: Likely benign. Last evaluated: 2021-03-19. Review status: criteria provided, single submitter. Criteria: Athena Diagnostics criteria. Collection method: clinical testing. Allele origin: unknown.

Eurofins Ntd Llc (ga)
Classification: Uncertain significance. Last evaluated: 2016-05-18. Review status: criteria provided, single submitter. Criteria: EGL Classification Definitions 2015. Collection method: clinical testing. Allele origin: germline. Observed: 2 variant alleles, 2 heterozygotes.